The following is an entry in ClinVar:

ClinVar aggregate classification (germline): Pathogenic/Likely pathogenic. Review status: criteria provided, multiple submitters, no conflicts (2 of 4 stars). 5 submissions from 5 submitters: Pathogenic (2); Likely pathogenic (2). 1 of the submissions does not count toward it. Last evaluated 2025-12-17.

Conditions:
Inborn genetic diseases. Identifiers: MedGen C0950123, MeSH D030342.
GATA2-related disorder. Also called: GATA2-Related Disorders; GATA2-related condition.
Deafness-lymphedema-leukemia syndrome. Also called: Emberger syndrome; Lymphedema, primary, with myelodysplasia. Identifiers: Orphanet 3226, MedGen C3279664, MONDO:0013540, OMIM 614038.
Monocytopenia with susceptibility to infections. Also called: MONOCYTOPENIA AND MYCOBACTERIAL INFECTION SYNDROME; MONOCYTOPENIA WITH SUSCEPTIBILITY TO MYCOBACTERIAL, FUNGAL, AND PAPILLOMAVIRUS INFECTIONS AND MYELODYSPLASIA; COMBINED IMMUNODEFICIENCY WITH SUSCEPTIBILITY TO MYCOBACTERIAL, VIRAL, AND FUNGAL INFECTIONS; Dendritic cell, monocyte, B lymphocyte, and natural killer lymphocyte deficiency; IMMUNODEFICIENCY 21; GATA2 DEFICIENCY. Identifiers: Orphanet 228423, MedGen C3280030, MONDO:0013607, OMIM 614172.
GATA2 deficiency with susceptibility to MDS/AML. Identifiers: MedGen CN300066, MONDO:0042982.

Submissions (5):

Labcorp Genetics (formerly Invitae), Labcorp
Classification: Likely pathogenic for Monocytopenia with susceptibility to infections; Deafness-lymphedema-leukemia syndrome. Last evaluated: 2025-12-17. Review status: criteria provided, single submitter. Criteria: Invitae Variant Classification Sherloc (09022015). Collection method: clinical testing. Allele origin: germline.
Comment: This sequence change replaces arginine, which is basic and polar, with histidine, which is basic and polar, at codon 361 of the GATA2 protein (p.Arg361His). This variant is not present in population databases (gnomAD no frequency). This missense change has been observed in individual(s) with GATA2-related conditions (PMID: 24077845, 25239263, 29146883, 29724903, 30538114). ClinVar contains an entry for this variant (Variation ID: 1184156). Invitae Evidence Modeling of protein sequence and biophysical properties (such as structural, functional, and spatial information, amino acid conservation, physicochemical variation, residue mobility, and thermodynamic stability) indicates that this missense variant is expected to disrupt GATA2 protein function with a positive predictive value of 95%. This variant disrupts the p.Arg361 amino acid residue in GATA2. Other variant(s) that disrupt this residue have been determined to be pathogenic (PMID: 23502222, 24077845, 24266605, 25879889, 26812071, 27418648, 32135276). This suggests that this residue is clinically significant, and that variants that disrupt this residue are likely to be disease-causing. In summary, the currently available evidence indicates that the variant is pathogenic, but additional data are needed to prove that conclusively. Therefore, this variant has been classified as Likely Pathogenic.

Ambry Genetics
Classification: Likely pathogenic for Inborn genetic diseases. Last evaluated: 2025-03-12. Review status: criteria provided, single submitter. Criteria: Ambry Variant Classification Scheme 2023. Collection method: clinical testing. Allele origin: germline.
Comment: The c.1082G>A (p.R361H) alteration is located in exon 5 (coding exon 4) of the GATA2 gene. This alteration results from a G to A substitution at nucleotide position 1082, causing the arginine (R) at amino acid position 361 to be replaced by a histidine (H). This variant was not reported in population-based cohorts in the Genome Aggregation Database (gnomAD). This variant was reported in individuals with features consistent with GATA2 deficiency syndrome (Bluteau, 2018; Galera, 2018; Jung, 2018; McReynolds, 2019; Wlodarski, 2016; Zhang, 2015). This amino acid position is highly conserved in available vertebrate species. This missense alteration is located in a region that has a low rate of benign missense variation (Lek, 2016; Firth, 2009). This alteration is predicted to be deleterious by in silico analysis. Based on the available evidence, this alteration is classified as likely pathogenic.

Blueprint Genetics
Classification: Pathogenic for GATA2-related disorders. Last evaluated: 2023-01-11. Review status: criteria provided, single submitter. Criteria: ACMG Guidelines, 2015. Collection method: clinical testing. Allele origin: germline. Affected: yes. Observed: 2 variant alleles.

Molecular Pathology Research Laboratory, SA Pathology
Classification: Pathogenic for GATA2 deficiency with susceptibility to MDS/AML; Deafness-lymphedema-leukemia syndrome. Last evaluated: 2021-07-06. Review status: criteria provided, single submitter. Criteria: ACMG Guidelines, 2015. Collection method: curation. Allele origin: germline. Inheritance: Autosomal dominant inheritance. Affected: yes. Observed: 8 variant alleles. Clinical features observed: Myelodysplasia, Acute Myeloid Leukemia, Neurologic symptoms, Immunodeficiency.
Comment: PS4, PM1, PM2, PM5, PP3

Genomic Medicine Center of Excellence, King Faisal Specialist Hospital and Research Centre
Classification: Uncertain significance for Monocytopenia with susceptibility to infections. Last evaluated: 2025-09-10. Review status: flagged submission. Criteria: ACMG Guidelines, 2015. Collection method: clinical testing. Allele origin: germline. Not counted in ClinVar's aggregate classification.
ClinVar note: Reason: Outlier claim with insufficient supporting evidence

Literature cited by the submitters: PubMed 24077845 (cited by Labcorp Genetics (formerly Invitae), Labcorp and Molecular Pathology Research Laboratory, SA Pathology); PubMed 25239263 (cited by 3 submitters); PubMed 29146883 (cited by 3 submitters); PubMed 29724903 (cited by Labcorp Genetics (formerly Invitae), Labcorp and Molecular Pathology Research Laboratory, SA Pathology); PubMed 30538114 (cited by Labcorp Genetics (formerly Invitae), Labcorp and Ambry Genetics); PubMed 23502222 (cited by Labcorp Genetics (formerly Invitae), Labcorp); PubMed 24266605 (cited by Labcorp Genetics (formerly Invitae), Labcorp); PubMed 25879889 (cited by Labcorp Genetics (formerly Invitae), Labcorp); PubMed 26812071 (cited by Labcorp Genetics (formerly Invitae), Labcorp); PubMed 27418648 (cited by Labcorp Genetics (formerly Invitae), Labcorp); PubMed 32135276 (cited by Labcorp Genetics (formerly Invitae), Labcorp); PubMed 26702063 (cited by Ambry Genetics and Molecular Pathology Research Laboratory, SA Pathology); PubMed 30232126 (cited by Ambry Genetics); PubMed 30578959 (cited by Ambry Genetics and Molecular Pathology Research Laboratory, SA Pathology); PubMed 25359990 (cited by Molecular Pathology Research Laboratory, SA Pathology); PubMed 28602958 (cited by Molecular Pathology Research Laboratory, SA Pathology).

NM_032638.5(GATA2):c.1082G>A (p.Arg361His)

Gene: GATA2 (GATA binding protein 2; minus strand). Cytogenetic location: 3q21.3.
Variant type: single nucleotide variant.
Coding change: c.1082G>A on transcript NM_032638.5 (MANE Select); coding-DNA position 1082, G replaced by A.
Protein change: p.Arg361His; replaces arginine 361 with histidine.
Molecular consequence: missense variant.
Genome position (GRCh38, 1-based): chr3:128,481,880, C>T on the plus strand (G>A on the coding strand, the complement: GATA2 is on the minus strand). VCF-style: chr3-128481880-C-T. GRCh37 (hg19) VCF-style: chr3-128200723-C-T.
Other names: c.1082G>A, p.Arg361His (NM_001145661.2); c.1040G>A, p.Arg347His (NM_001145662.1); c.1082G>A (NM_032638.4); short protein forms R347H, R361H.
Identifiers: ClinVar variation 1184156 (VCV001184156.5), dbSNP rs387906634, ClinGen allele CA354413576.
Genomic context (GRCh38, chr3:128,481,880, plus strand): 5'-TTGTGCAGCTTGTAGTAGAGGCCACAGGCGTTGCAGACAGGGTCCCCGTTGGCGTTTCGG[C>T]GCCATAAGGTGGTGGTTGTCGTCTGACAATTTGCACAACAGGTGCCGGCTCTTCTGGCGG-3'
Protein context (NP_116027.2, residues 351-371): NCQTTTTTLW[Arg361His]RNANGDPVCN